The following is an entry in ClinVar:

ClinVar aggregate classification (germline): Uncertain significance (1 of 4 stars; one submission).

Conditions:
Muscular dystrophy-dystroglycanopathy (congenital with impaired intellectual development), type B, 1. Also called: Muscular dystrophy-dystroglycanopathy (congenital with intellectual disability), type B1; MUSCULAR DYSTROPHY, CONGENITAL, POMT1-RELATED. Identifiers: MedGen C5436962, MONDO:0013159, OMIM 613155.
Walker-Warburg congenital muscular dystrophy. Also called: Muscular dystrophy-dystroglycanopathy, type A; Walker-Warburg syndrome. Identifiers: Orphanet 899, MedGen C0265221, MONDO:0000171.
Autosomal recessive limb-girdle muscular dystrophy type 2K. Also called: MUSCULAR DYSTROPHY-DYSTROGLYCANOPATHY (LIMB-GIRDLE), TYPE C, 1; MUSCULAR DYSTROPHY, LIMB-GIRDLE, TYPE 2K. Identifiers: Orphanet 86812, MedGen C1836373, MONDO:0012248, OMIM 609308.

Submission:

Labcorp Genetics (formerly Invitae), Labcorp
Classification: Uncertain significance for Muscular dystrophy-dystroglycanopathy (congenital with impaired intellectual development), type B, 1; Walker-Warburg congenital muscular dystrophy; Autosomal recessive limb-girdle muscular dystrophy type 2K. Last evaluated: 2022-09-07. Review status: criteria provided, single submitter. Criteria: Invitae Variant Classification Sherloc (09022015). Collection method: clinical testing. Allele origin: germline.
Comment: In summary, the available evidence is currently insufficient to determine the role of this variant in disease. Therefore, it has been classified as a Variant of Uncertain Significance. Algorithms developed to predict the effect of missense changes on protein structure and function are either unavailable or do not agree on the potential impact of this missense change (SIFT: "Deleterious"; PolyPhen-2: "Probably Damaging"; Align-GVGD: "Class C0"). This variant has not been reported in the literature in individuals affected with POMT1-related conditions. This variant is not present in population databases (gnomAD no frequency). This sequence change replaces tyrosine, which is neutral and polar, with histidine, which is basic and polar, at codon 352 of the POMT1 protein (p.Tyr352His).

NM_001077365.2(POMT1):c.988T>C (p.Tyr330His)

Gene: POMT1 (protein O-mannosyltransferase 1; plus strand). Cytogenetic location: 9q34.13.
Variant type: single nucleotide variant.
Coding change: c.988T>C on transcript NM_001077365.2 (MANE Select); coding-DNA position 988, T replaced by C.
Protein change: p.Tyr330His; replaces tyrosine 330 with histidine.
Molecular consequence: missense variant. On other transcripts: non-coding transcript variant (10), intron variant (1).
Genome position (GRCh38, 1-based): chr9:131,512,042, T>C. VCF-style: chr9-131512042-T-C. GRCh37 (hg19) VCF-style: chr9-134387429-T-C.
Other names: c.826T>C, p.Tyr276His (NM_001077366.2, NM_001353194.2); c.988T>C, p.Tyr330His (NM_001136113.2, NM_001374690.1); c.637T>C, p.Tyr213His (NM_001136114.2, NM_001353195.2, NM_001374691.1 and 1 more transcripts); c.1054T>C, p.Tyr352His (NM_001353193.2, NM_007171.4); c.898T>C, p.Tyr300His (NM_001353196.2); c.892T>C, p.Tyr298His (NM_001353197.2, NM_001353198.2); c.703T>C, p.Tyr235His (NM_001353199.2); c.532T>C, p.Tyr178His (NM_001353200.2); and 4 more; short protein forms Y330H, Y213H, Y300H, Y178H, Y298H, Y326H, Y352H, Y200H.
Identifiers: ClinVar variation 2093367 (VCV002093367.4), dbSNP rs2539193349, ClinGen allele CA375308743.